The following is an entry in ClinVar:

NM_001363711.2(DUOX2):c.3301A>G (p.Met1101Val)

Gene: DUOX2 (dual oxidase 2; minus strand). Cytogenetic location: 15q21.1.
Variant type: single nucleotide variant.
Coding change: c.3301A>G on transcript NM_001363711.2 (MANE Select); coding-DNA position 3301, A replaced by G.
Protein change: p.Met1101Val; replaces methionine 1101 with valine.
Molecular consequence: missense variant.
Genome position (GRCh38, 1-based): chr15:45,099,776, T>C on the plus strand (A>G on the coding strand, the complement: DUOX2 is on the minus strand). VCF-style: chr15-45099776-T-C. GRCh37 (hg19) VCF-style: chr15-45391974-T-C.
Other names: c.3301A>G, p.Met1101Val (NM_014080.5); c.3301A>G (NM_014080.4); short protein forms M1101V.
Identifiers: ClinVar variation 1909348 (VCV001909348.3), dbSNP rs200344635, ClinGen allele CA270122635.

ClinVar aggregate classification (germline): Uncertain significance. Review status: criteria provided, multiple submitters, no conflicts (2 of 4 stars). 2 submissions from 2 submitters: Uncertain significance (2). Last evaluated 2024-04-15.

Conditions:
Inborn genetic diseases. Identifiers: MedGen C0950123, MeSH D030342.

Allele frequency attached by ClinVar (database versions not stated): gnomAD exomes below 0.00001; TOPMed 0.00001; 1000 Genomes Project 30x 0.00016.

Submissions (2):

Ambry Genetics
Classification: Uncertain significance for Inborn genetic diseases. Last evaluated: 2024-04-15. Review status: criteria provided, single submitter. Criteria: Ambry Variant Classification Scheme 2023. Collection method: clinical testing. Allele origin: germline.

Labcorp Genetics (formerly Invitae), Labcorp
Classification: Uncertain significance. Last evaluated: 2021-12-28. Review status: criteria provided, single submitter. Criteria: Invitae Variant Classification Sherloc (09022015). Collection method: clinical testing. Allele origin: germline.
Comment: This sequence change replaces methionine, which is neutral and non-polar, with valine, which is neutral and non-polar, at codon 1101 of the DUOX2 protein (p.Met1101Val). This variant is present in population databases (rs200344635, gnomAD 0.003%). This variant has not been reported in the literature in individuals affected with DUOX2-related conditions. Advanced modeling of protein sequence and biophysical properties (such as structural, functional, and spatial information, amino acid conservation, physicochemical variation, residue mobility, and thermodynamic stability) performed at Invitae indicates that this missense variant is not expected to disrupt DUOX2 protein function. In summary, the available evidence is currently insufficient to determine the role of this variant in disease. Therefore, it has been classified as a Variant of Uncertain Significance.